The following is an entry in ClinVar:

ClinVar aggregate classification (germline): Benign/Likely benign. Review status: criteria provided, multiple submitters, no conflicts (2 of 4 stars). 3 submissions from 3 submitters: Benign (1); Likely benign (2). Last evaluated 2026-06-10.

Conditions:
Tumor predisposition syndrome 2 (TPDS2). Also called: MBD4-ASSOCIATED NEOPLASIA SYNDROME; MBD4-Related Tumor Predisposition Syndrome; MBD4-associated neoplasia syndrome (MANS). Identifiers: Orphanet 661526, MedGen C5774186, MONDO:0859267, OMIM 619975.
Inborn genetic diseases. Identifiers: MedGen C0950123, MeSH D030342.

gnomAD v4.1: 2 of 1,614,038 alleles (0.00012%); highest among the groups gnomAD compares: Non-Finnish European, 0.000085%; no homozygotes.

Submissions (3):

Myriad Genetics, Inc.
Classification: Benign for Tumor predisposition syndrome 2. Last evaluated: 2026-06-10. Review status: criteria provided, single submitter. Criteria: Myriad Autosomal Dominant, Autosomal Recessive and X-Linked Classification Criteria (2023). Collection method: clinical testing. Allele origin: unknown.
Comment: This variant is considered benign. This variant is a silent/synonymous amino acid change and it is not expected to impact splicing.

Labcorp Genetics (formerly Invitae), Labcorp
Classification: Likely benign. Last evaluated: 2025-06-10. Review status: criteria provided, single submitter. Criteria: Invitae Variant Classification Sherloc (09022015). Collection method: clinical testing. Allele origin: germline.

Ambry Genetics
Classification: Likely benign for Inborn genetic diseases. Last evaluated: 2025-06-06. Review status: criteria provided, single submitter. Criteria: Ambry Variant Classification Scheme 2023. Collection method: clinical testing. Allele origin: germline.

NM_001276270.2(MBD4):c.864C>G (p.Val288=)

Gene: MBD4 (methyl-CpG binding domain 4, DNA glycosylase; minus strand). Cytogenetic location: 3q21.3.
Variant type: single nucleotide variant.
Coding change: c.864C>G on transcript NM_001276270.2 (MANE Select); coding-DNA position 864, C replaced by G.
Protein change: p.Val288=; no amino-acid change (valine 288 retained).
Molecular consequence: synonymous variant. On other transcripts: intron variant (1).
Genome position (GRCh38, 1-based): chr3:129,436,780, G>C on the plus strand (C>G on the coding strand, the complement: MBD4 is on the minus strand). VCF-style: chr3-129436780-G-C. GRCh37 (hg19) VCF-style: chr3-129155623-G-C.
Other names: c.864C>G, p.Val288= (NM_001276271.2, NM_001276272.2, NM_003925.3); c.247+1028C>G (NM_001276273.2).
Identifiers: ClinVar variation 4052246 (VCV004052246.3).